The following is an entry in ClinVar:

ClinVar aggregate classification (germline): Uncertain significance (1 of 4 stars; one submission).

Conditions:
Peroxisome biogenesis disorder 3A (Zellweger). Also called: PEROXISOMAL BIOGENESIS DISORDER 3A (ZELLWEGER); Peroxisome biogenesis disorder 3A. Identifiers: Orphanet 912, MedGen C3553929, MONDO:0013927, OMIM 614859.

Submission:

Labcorp Genetics (formerly Invitae), Labcorp
Classification: Uncertain significance for Peroxisome biogenesis disorder 3A (Zellweger). Last evaluated: 2022-07-06. Review status: criteria provided, single submitter. Criteria: Invitae Variant Classification Sherloc (09022015). Collection method: clinical testing. Allele origin: germline.
Comment: This sequence change replaces leucine, which is neutral and non-polar, with valine, which is neutral and non-polar, at codon 354 of the PEX12 protein (p.Leu354Val). This variant is not present in population databases (gnomAD no frequency). In summary, the available evidence is currently insufficient to determine the role of this variant in disease. Therefore, it has been classified as a Variant of Uncertain Significance. Algorithms developed to predict the effect of missense changes on protein structure and function are either unavailable or do not agree on the potential impact of this missense change (SIFT: "Deleterious"; PolyPhen-2: "Probably Damaging"; Align-GVGD: "Class C15"). ClinVar contains an entry for this variant (Variation ID: 1414143). This variant has not been reported in the literature in individuals affected with PEX12-related conditions.

NM_000286.3(PEX12):c.1060C>G (p.Leu354Val)

Gene: PEX12 (peroxisomal biogenesis factor 12; minus strand). Cytogenetic location: 17q12.
Variant type: single nucleotide variant.
Coding change: c.1060C>G on transcript NM_000286.3 (MANE Select); coding-DNA position 1060, C replaced by G.
Protein change: p.Leu354Val; replaces leucine 354 with valine.
Molecular consequence: missense variant.
Genome position (GRCh38, 1-based): chr17:35,575,802, G>C on the plus strand (C>G on the coding strand, the complement: PEX12 is on the minus strand). VCF-style: chr17-35575802-G-C. GRCh37 (hg19) VCF-style: chr17-33902821-G-C.
Other names: short protein forms L354V.
Identifiers: ClinVar variation 1414143 (VCV001414143.8), dbSNP rs928085463, ClinGen allele CA399136791.